The following is an entry in ClinVar:

ClinVar aggregate classification (germline): Likely benign. Review status: criteria provided, multiple submitters, no conflicts (2 of 4 stars). 2 submissions from 2 submitters: Likely benign (2). Last evaluated 2025-09-08.

Conditions:
Cardiovascular phenotype. Identifiers: MedGen CN230736.
SOS1-related disorder. Also called: SOS1-related condition.

Submissions (2):

PreventionGenetics, part of Exact Sciences
Classification: Likely benign for SOS1-related condition. Last evaluated: 2025-09-08. Review status: criteria provided, single submitter. Criteria: ACMG Guidelines, 2015. Collection method: clinical testing. Allele origin: germline.
Comment: This variant is classified as likely benign based on ACMG/AMP sequence variant interpretation guidelines (Richards et al. 2015 PMID: 25741868, with internal and published modifications).

Ambry Genetics
Classification: Likely benign for Cardiovascular phenotype. Last evaluated: 2024-10-22. Review status: criteria provided, single submitter. Criteria: Ambry Variant Classification Scheme 2023. Collection method: clinical testing. Allele origin: germline.

NM_005633.4(SOS1):c.2850A>G (p.Arg950=)

Gene: SOS1 (SOS Ras/Rac guanine nucleotide exchange factor 1; minus strand). Cytogenetic location: 2p22.1.
Variant type: single nucleotide variant.
Coding change: c.2850A>G on transcript NM_005633.4 (MANE Select); coding-DNA position 2850, A replaced by G.
Protein change: p.Arg950=; no amino-acid change (arginine 950 retained).
Molecular consequence: synonymous variant.
Genome position (GRCh38, 1-based): chr2:38,997,367, T>C on the plus strand (A>G on the coding strand, the complement: SOS1 is on the minus strand). VCF-style: chr2-38997367-T-C. GRCh37 (hg19) VCF-style: chr2-39224508-T-C.
Other names: c.2829A>G, p.Arg943= (NM_001382394.1); c.2850A>G, p.Arg950= (NM_001382395.1).
Identifiers: ClinVar variation 3447319 (VCV003447319.2).